The following is an entry in ClinVar:

NM_000059.4(BRCA2):c.8674A>T (p.Arg2892Ter)

Gene: BRCA2 (BRCA2 DNA repair associated; plus strand). Cytogenetic location: 13q13.1.
Variant type: single nucleotide variant.
Coding change: c.8674A>T on transcript NM_000059.4 (MANE Select); coding-DNA position 8674, A replaced by T.
Protein change: p.Arg2892Ter; replaces arginine 2892 with a stop codon.
Molecular consequence: nonsense. On other transcripts: non-coding transcript variant (1).
Genome position (GRCh38, 1-based): chr13:32,376,711, A>T. VCF-style: chr13-32376711-A-T. GRCh37 (hg19) VCF-style: chr13-32950848-A-T.
Other names: c.8578A>T, p.Arg2860Ter (NM_001406719.1); c.8674A>T, p.Arg2892Ter (NM_001406720.1, NM_001432077.1); c.3742A>T, p.Arg1248Ter (NM_001406721.1); c.2257A>T, p.Arg753Ter (NM_001406722.1); short protein forms R2892*, R1248*, R2860*, R753*.
Identifiers: ClinVar variation 3482204 (VCV003482204.1).

ClinVar aggregate classification (germline): Pathogenic (1 of 4 stars; one submission).

Conditions:
Hereditary cancer-predisposing syndrome. Also called: Tumor predisposition; Neoplastic Syndromes, Hereditary; Hereditary Cancer Syndrome; Hereditary neoplastic syndrome. Identifiers: Orphanet 140162, MedGen C0027672, MeSH D009386, MONDO:0015356.

Submission:

Ambry Genetics
Classification: Pathogenic for Hereditary cancer-predisposing syndrome. Last evaluated: 2024-12-09. Review status: criteria provided, single submitter. Criteria: Ambry Variant Classification Scheme 2023. Collection method: clinical testing. Allele origin: germline.
Comment: The p.R2892* pathogenic mutation (also known as c.8674A>T), located in coding exon 20 of the BRCA2 gene, results from an A to T substitution at nucleotide position 8674. This changes the amino acid from an arginine to a stop codon within coding exon 20. This variant is considered to be rare based on population cohorts in the Genome Aggregation Database (gnomAD). This alteration is expected to result in loss of function by premature protein truncation or nonsense-mediated mRNA decay. As such, this alteration is interpreted as a disease-causing mutation.